The following is an entry in ClinVar:

ClinVar aggregate classification (germline): Uncertain significance. Review status: criteria provided, multiple submitters, no conflicts (2 of 4 stars). 2 submissions from 2 submitters: Uncertain significance (2). Last evaluated 2025-07-17.

Conditions:
DICER1-related tumor predisposition. Also called: DICER1 syndrome; DICER1-related pleuropulmonary blastoma cancer predisposition syndrome. Identifiers: Orphanet 284343, MedGen C3839822, MONDO:0100216.
Hereditary cancer-predisposing syndrome. Also called: Tumor predisposition; Hereditary neoplastic syndrome; Hereditary Cancer Syndrome; Neoplastic Syndromes, Hereditary. Identifiers: Orphanet 140162, MedGen C0027672, MeSH D009386, MONDO:0015356.

Allele frequency attached by ClinVar (database versions not stated): gnomAD exomes below 0.00001.
gnomAD v4.1: 1 of 1,614,000 alleles (0.000062%); highest among the groups gnomAD compares: Non-Finnish European, 0.000085%; no homozygotes.

Submissions (2):

Ambry Genetics
Classification: Uncertain significance for Hereditary cancer-predisposing syndrome. Last evaluated: 2025-07-17. Review status: criteria provided, single submitter. Criteria: Ambry Variant Classification Scheme 2023. Collection method: clinical testing. Allele origin: germline.
Comment: The p.Q1918* variant (also known as c.5752C>T), located in coding exon 26 of the DICER1 gene, results from a C to T substitution at nucleotide position 5752. This changes the amino acid from a glutamine to a stop codon within coding exon 26. This alteration occurs at the 3' terminus of theDICER1 gene, is not expected to trigger nonsense-mediated mRNAdecay, and impacts the last five amino acids of the protein. The exact functional effect of this alteration is unknown. Based on the available evidence, the clinical significance of this variant remains unclear.

Labcorp Genetics (formerly Invitae), Labcorp
Classification: Uncertain significance for DICER1-related tumor predisposition. Last evaluated: 2021-10-21. Review status: criteria provided, single submitter. Criteria: Invitae Variant Classification Sherloc (09022015). Collection method: clinical testing. Allele origin: germline.
Comment: In summary, the available evidence is currently insufficient to determine the role of this variant in disease. Therefore, it has been classified as a Variant of Uncertain Significance. Experimental studies and prediction algorithms are not available or were not evaluated, and the functional significance of this variant is currently unknown. This variant has not been reported in the literature in individuals with DICER1-related conditions. This variant is not present in population databases (ExAC no frequency). This sequence change creates a premature translational stop signal (p.Gln1918*) in the DICER1 gene. While this is not anticipated to result in nonsense mediated decay, it is expected to disrupt the last 5 amino acid(s) of the DICER1 protein.

NM_177438.3(DICER1):c.5752C>T (p.Gln1918Ter)

Gene: DICER1 (dicer 1, ribonuclease III; minus strand). Cytogenetic location: 14q32.13.
Variant type: single nucleotide variant.
Coding change: c.5752C>T on transcript NM_177438.3 (MANE Select); coding-DNA position 5752, C replaced by T.
Protein change: p.Gln1918Ter; replaces glutamine 1918 with a stop codon.
Molecular consequence: nonsense. On other transcripts: 3 prime UTR variant (1).
Genome position (GRCh38, 1-based): chr14:95,090,515, G>A on the plus strand (C>T on the coding strand, the complement: DICER1 is on the minus strand). VCF-style: chr14-95090515-G-A. GRCh37 (hg19) VCF-style: chr14-95556852-G-A.
Other names: c.*99C>T (NM_001195573.1); c.5752C>T, p.Gln1918Ter (NM_001271282.3, NM_001291628.2, NM_030621.4); short protein forms Q1918*.
Identifiers: ClinVar variation 1447617 (VCV001447617.10), dbSNP rs2139765399, ClinGen allele CA390862901.